The following is an entry in ClinVar:

ClinVar aggregate classification (germline): Likely pathogenic (1 of 4 stars; one submission).

Conditions:
Autosomal recessive nonsyndromic hearing loss 77. Identifiers: Orphanet 90636, MedGen C2746083, MONDO:0013119, OMIM 613079.

Submission:

Myriad Genetics, Inc.
Classification: Likely pathogenic for Autosomal recessive nonsyndromic hearing loss 77. Last evaluated: 2022-01-17. Review status: criteria provided, single submitter. Criteria: Myriad Women's Health Autosomal Recessive and X-Linked Classification Criteria (2021). Collection method: clinical testing. Allele origin: unknown.
Comment: NM_144612.6(LOXHD1):c.4582A>T(K1528*) is expected to be pathogenic in the context of LOXHD1-related DFNB77 hearing loss and deafness. This variant is predicted to lead to an abnormal or absent protein product due to the creation of a premature termination codon in LOXHD1, a gene where loss-of-function variants are known to be pathogenic. Please note: this variant was assessed in the context of healthy population screening.

NM_001384474.1(LOXHD1):c.4582A>T (p.Lys1528Ter)

Gene: LOXHD1 (lipoxygenase homology PLAT domains 1; minus strand). Cytogenetic location: 18q21.1.
Variant type: single nucleotide variant.
Coding change: c.4582A>T on transcript NM_001384474.1 (MANE Select); coding-DNA position 4582, A replaced by T.
Protein change: p.Lys1528Ter; replaces lysine 1528 with a stop codon.
Molecular consequence: nonsense.
Genome position (GRCh38, 1-based): chr18:46,524,866, T>A on the plus strand (A>T on the coding strand, the complement: LOXHD1 is on the minus strand). VCF-style: chr18-46524866-T-A. GRCh37 (hg19) VCF-style: chr18-44104829-T-A.
Other names: c.1249A>T, p.Lys417Ter (NM_001145472.3); c.961A>T, p.Lys321Ter (NM_001308013.2); c.4582A>T, p.Lys1528Ter (NM_144612.7); short protein forms K1528*, K321*, K417*.
Identifiers: ClinVar variation 1723969 (VCV001723969.2), dbSNP rs2511614912, ClinGen allele CA402373473.